The following is an entry in ClinVar:

ClinVar aggregate classification (germline): Pathogenic/Likely pathogenic. Review status: criteria provided, multiple submitters, no conflicts (2 of 4 stars). 13 submissions from 12 submitters: Pathogenic (7); Likely pathogenic (1). 5 of the submissions do not count toward it. Last evaluated 2025-01-17.

Conditions:
FANCC-related disorder. Also called: FANCC-related condition.
Fanconi anemia complementation group C (FANCC). Also called: FANCONI PANCYTOPENIA, TYPE 3; FACC; Fanconi anemia, group C; FANCC-Related Fanconi Anemia. Identifiers: Orphanet 84, MedGen C3468041, MONDO:0009213, OMIM 227645.
Fanconi anemia (FA). Also called: Fanconi's anemia. Identifiers: Orphanet 84, MedGen C0015625, MeSH D005199, MONDO:0019391.

Submissions (13):

First Genomix Gene Laboratory, Genetic Diagnostics Department
Classification: Pathogenic for Fanconi anemia complementation group C. Last evaluated: 2025-01-17. Review status: criteria provided, single submitter. Criteria: ACMG Guidelines, 2015. Collection method: clinical testing. Allele origin: germline. Inheritance: Autosomal recessive inheritance. Affected: no. Observed: 1 variant allele.

Myriad Genetics, Inc.
Classification: Likely pathogenic for Fanconi anemia complementation group C. Last evaluated: 2025-01-09. Review status: criteria provided, single submitter. Criteria: Myriad Autosomal Dominant, Autosomal Recessive and X-Linked Classification Criteria (2023). Collection method: clinical testing. Allele origin: unknown.
Comment: NM_000136.2(FANCC):c.165+1G>T is a variant in a canonical splice site classified as likely pathogenic in the context of Fanconi anemia, FANCC-related. c.165+1G>T has been observed in cases with relevant disease (PMID: 20869034). Relevant functional assessments of this variant are available in the literature (PMID: 20869034). c.165+1G>T has not been observed in referenced population frequency databases. In summary, NM_000136.2(FANCC):c.165+1G>T is a variant in a canonical splice site that has been observed more frequently in cases with the relevant disease than in healthy populations. Please note: this variant was assessed in the context of healthy population screening.

Dubai Health Genomic Medicine Center, Dubai Health
Classification: Pathogenic for Fanconi anemia. Last evaluated: 2024-10-04. Review status: criteria provided, single submitter. Criteria: ACMG Guidelines, 2015. Collection method: research. Allele origin: germline. Affected: yes.
Comment: PVS1, PM3, PS3

Mayo Clinic Laboratories, Mayo Clinic
Classification: Pathogenic. Last evaluated: 2023-02-15. Review status: criteria provided, single submitter. Criteria: ACMG Guidelines, 2015. Collection method: clinical testing. Allele origin: germline. Observed: 1 variant allele.
Comment: PP1_strong, PP5, PM2, PS3, PS4_moderate, PVS1_strong

Blueprint Genetics
Classification: Pathogenic for FANCC-related disorders. Last evaluated: 2021-08-20. Review status: criteria provided, single submitter. Criteria: ACMG Guidelines, 2015. Collection method: clinical testing. Allele origin: germline. Affected: yes. Observed: 3 variant alleles.

Dubai Health Genomic Medicine Center, Dubai Health
Classification: Pathogenic for Fanconi anemia complementation group C. Last evaluated: 2020-08-18. Review status: criteria provided, single submitter. Criteria: ACMG Guidelines, 2015. Collection method: clinical testing. Allele origin: germline. Affected: yes.
Comment: The 165+1G>T variant in FANCC has been previously reported in 9 individuals with Fanconi anemia from 3 independent families (PMID: 20869034). This variant occurs in the invariant region (+/- 1/2) of the splice consensus sequence and is predicted to cause altered splicing leading to an abnormal or absent protein. Functional analysis using fibroblasts from patients with this variant revealed aberrant mRNA processing however correct splicing was still observed at very low levels which might contribute to the milder clinical manifestations of the disease in patients with this variant (PMID: 20869034). In summary this variant meets our criteria to be classified as pathogenic.

Labcorp Genetics (formerly Invitae), Labcorp
Classification: Pathogenic for Fanconi anemia. Last evaluated: 2019-08-18. Review status: criteria provided, single submitter. Criteria: Invitae Variant Classification Sherloc (09022015). Collection method: clinical testing. Allele origin: germline.
Comment: This sequence change affects a donor splice site in intron 2 of the FANCC gene. It is expected to disrupt RNA splicing and likely results in an absent or disrupted protein product. This variant is not present in population databases (ExAC no frequency). This variant has been observed to be homozygous or in combination with another FANCC variant in individuals affected with Fanconi anemia and to segregate with disease in families (PMID: 20869034). ClinVar contains an entry for this variant (Variation ID: 12051). Experimental studies have shown that this variant disrupts mRNA splicing (PMID: 20869034). Donor and acceptor splice site variants typically lead to a loss of protein function (PMID: 16199547), and loss-of-function variants in FANCC are known to be pathogenic (PMID: 17924555). For these reasons, this variant has been classified as Pathogenic.

GeneDx
Classification: Pathogenic. Last evaluated: 2019-08-07. Review status: criteria provided, single submitter. Criteria: GeneDx Variant Classification Process June 2021. Collection method: clinical testing. Allele origin: germline. Affected: yes.
Comment: Not observed in large population cohorts (Lek et al., 2016); This variant is associated with the following publications: (PMID: 22588721, 30355602, 28146134, 20869034, 25236480, 22426302, 25525159)

Leiden Open Variation Database
Classification: Pathogenic for Fanconi anemia complementation group C. Last evaluated: 2020-02-28. Review status: no assertion criteria provided. Collection method: curation. Allele origin: germline. Affected: yes. Not counted in ClinVar's aggregate classification.
Comment: Curator: Arleen D. Auerbach. Submitter to LOVD: Arleen D. Auerbach.

Natera, Inc.
Classification: Pathogenic for Fanconi anemia. Last evaluated: 2017-03-17. Review status: no assertion criteria provided. Collection method: clinical testing. Allele origin: germline. Not counted in ClinVar's aggregate classification.

Counsyl
Classification: Pathogenic for Fanconi anemia complementation group C. Last evaluated: 2016-10-14. Review status: no assertion criteria provided. Collection method: clinical testing. Allele origin: unknown. Not counted in ClinVar's aggregate classification.

OMIM
Classification: Pathogenic for FANCONI ANEMIA, COMPLEMENTATION GROUP C. Last evaluated: 2010-10-08. Review status: no assertion criteria provided. Collection method: literature only. Allele origin: germline. Not counted in ClinVar's aggregate classification.

GeneReviews
No classification provided. Condition: Fanconi anemia complementation group C. Review status: no classification provided. Collection method: literature only. Allele origin: germline. Not counted in ClinVar's aggregate classification.

Literature cited by the submitters: PubMed 20869034 (cited by 4 submitters); PubMed 17924555 (cited by Labcorp Genetics (formerly Invitae), Labcorp); NCBI Bookshelf NBK1401 (cited by GeneReviews); PubMed 20301575 (cited by GeneReviews).

NM_000136.3(FANCC):c.165+1G>T

Gene: FANCC (FA complementation group C; minus strand). Cytogenetic location: 9q22.32.
Variant type: single nucleotide variant.
Coding change: c.165+1G>T on transcript NM_000136.3 (MANE Select); the canonical splice donor site of the intron after coding-DNA position 165, G replaced by T.
Molecular consequence: splice donor variant.
Genome position (GRCh38, 1-based): chr9:95,249,126, C>A on the plus strand (G>T on the coding strand, the complement: FANCC is on the minus strand). VCF-style: chr9-95249126-C-A. GRCh37 (hg19) VCF-style: chr9-98011408-C-A.
Other names: IVS2DS, G-T, +1; c.165+1G>T (NM_001243743.2, NM_001243744.2).
Identifiers: ClinVar variation 12051 (VCV000012051.22), dbSNP rs794726668, ClinGen allele CA256210.